The following is an entry in ClinVar:

NM_001042492.3(NF1):c.4774_4777dup (p.Phe1593fs)

Gene: NF1 (neurofibromin 1; plus strand). Cytogenetic location: 17q11.2.
Variant type: Duplication.
Coding change: c.4774_4777dup on transcript NM_001042492.3 (MANE Select); coding-DNA positions 4774 to 4777, 4 bases duplicated (ATTT; older notation c.4774_4777dupATTT).
Protein change: p.Phe1593fs; shifts the reading frame from phenylalanine 1593.
Molecular consequence: frameshift variant.
Genome position (GRCh38, 1-based): chr17:31,265,278-31,265,281, ATTT duplicated; duplicating any 4 consecutive bases within chr17:31,265,277-31,265,281 gives the same sequence; the c. name uses the placement nearest the transcript's 3' end. VCF-style (leftmost placement, unchanged base first): chr17-31265276-G-GTATT. GRCh37 (hg19) VCF-style: chr17-29592294-G-GTATT.
Other names: c.4711_4714dup, p.Phe1572Tyrfs (NM_000267.4); short protein forms F1593fs, F1572fs.
Identifiers: ClinVar variation 2019836 (VCV002019836.4), dbSNP rs2508445251, ClinGen allele CA2580093342.
Genomic context (GRCh38, chr17:31,265,276, plus strand): 5'-ATTTTTCTTTTAGGCATCAGGTACATGAAAAAGAAGAATTCAAGGCTTTGAAAACGTTAA[G>GTATT]TATTTTCTACCAAGCTGGGACTTCCAAAGCTGGGAATCCTATTTTTTATTATGTTGCACG-3'

ClinVar aggregate classification (germline): Pathogenic (1 of 4 stars; one submission).

Conditions:
Neurofibromatosis, type 1 (NF1). Also called: NEUROFIBROMATOSIS, TYPE I, SOMATIC; Neurofibromatosis, type I; Peripheral type neurofibromatosis; VON RECKLINGHAUSEN DISEASE. Identifiers: Orphanet 636, MedGen C0027831, MONDO:0018975, OMIM 162200. Disease mechanism: loss of function.

Submission:

Labcorp Genetics (formerly Invitae), Labcorp
Classification: Pathogenic for Neurofibromatosis, type 1. Last evaluated: 2022-07-27. Review status: criteria provided, single submitter. Criteria: Invitae Variant Classification Sherloc (09022015). Collection method: clinical testing. Allele origin: germline.
Comment: This sequence change creates a premature translational stop signal (p.Phe1572Tyrfs*30) in the NF1 gene. It is expected to result in an absent or disrupted protein product. Loss-of-function variants in NF1 are known to be pathogenic (PMID: 10712197, 23913538). This variant is not present in population databases (gnomAD no frequency). This variant has not been reported in the literature in individuals affected with NF1-related conditions. For these reasons, this variant has been classified as Pathogenic.

Literature cited by the submitters: PubMed 10712197; PubMed 23913538.